The following is an entry in ClinVar:

NM_006767.4(LZTR1):c.806C>T (p.Pro269Leu)

Gene: LZTR1 (leucine zipper like post translational regulator 1; plus strand). Cytogenetic location: 22q11.21.
Variant type: single nucleotide variant.
Coding change: c.806C>T on transcript NM_006767.4 (MANE Select); coding-DNA position 806, C replaced by T.
Protein change: p.Pro269Leu; replaces proline 269 with leucine.
Molecular consequence: missense variant.
Genome position (GRCh38, 1-based): chr22:20,991,642, C>T. VCF-style: chr22-20991642-C-T. GRCh37 (hg19) VCF-style: chr22-21345931-C-T.
Other names: c.806C>T (NM_006767.3); short protein forms P269L.
Identifiers: ClinVar variation 2184389 (VCV002184389.6), dbSNP rs755336991, ClinGen allele CA410781108.

ClinVar aggregate classification (germline): Uncertain significance. Review status: criteria provided, multiple submitters, no conflicts (2 of 4 stars). 2 submissions from 2 submitters: Uncertain significance (2). Last evaluated 2022-12-07.

Conditions:
Cardiovascular phenotype. Identifiers: MedGen CN230736.
Hereditary cancer-predisposing syndrome. Also called: Hereditary Cancer Syndrome; Neoplastic Syndromes, Hereditary; Tumor predisposition; Hereditary neoplastic syndrome. Identifiers: Orphanet 140162, MedGen C0027672, MeSH D009386, MONDO:0015356.

Submissions (2):

Ambry Genetics
Classification: Uncertain significance for Cardiovascular phenotype; Hereditary cancer-predisposing syndrome. Last evaluated: 2022-12-07. Review status: criteria provided, single submitter. Criteria: Ambry Variant Classification Scheme 2023. Collection method: clinical testing. Allele origin: germline.
Comment: The p.P269L variant (also known as c.806C>T), located in coding exon 9 of the LZTR1 gene, results from a C to T substitution at nucleotide position 806. The proline at codon 269 is replaced by leucine, an amino acid with similar properties. This amino acid position is conserved. In addition, the in silico prediction for this alteration is inconclusive. Since supporting evidence is limited at this time, the clinical significance of this alteration remains unclear.

Labcorp Genetics (formerly Invitae), Labcorp
Classification: Uncertain significance. Last evaluated: 2022-01-01. Review status: criteria provided, single submitter. Criteria: Invitae Variant Classification Sherloc (09022015). Collection method: clinical testing. Allele origin: germline.
Comment: Algorithms developed to predict the effect of missense changes on protein structure and function are either unavailable or do not agree on the potential impact of this missense change (SIFT: "Tolerated"; PolyPhen-2: "Possibly Damaging"; Align-GVGD: "Class C0"). This variant has not been reported in the literature in individuals affected with LZTR1-related conditions. This variant is not present in population databases (gnomAD no frequency). This sequence change replaces proline, which is neutral and non-polar, with leucine, which is neutral and non-polar, at codon 269 of the LZTR1 protein (p.Pro269Leu). In summary, the available evidence is currently insufficient to determine the role of this variant in disease. Therefore, it has been classified as a Variant of Uncertain Significance.